The following is an entry in ClinVar:

ClinVar aggregate classification (germline): Uncertain significance (1 of 4 stars; one submission).

Conditions:
SEMA3D-related disorder. Also called: SEMA3D-related condition.

gnomAD v4.1: 1 of 1,371,794 alleles (0.000073%); highest among the groups gnomAD compares: Non-Finnish European, 0.0001%; no homozygotes.

Submission:

PreventionGenetics, part of Exact Sciences
Classification: Uncertain significance for SEMA3D-related condition. Last evaluated: 2026-09-06. Review status: criteria provided, single submitter. Criteria: ACMG Guidelines, 2015. Collection method: clinical testing. Allele origin: germline.
Comment: The SEMA3D c.986A>G variant is predicted to result in the amino acid substitution p.Tyr329Cys. To our knowledge, this variant has not been reported in the literature or in a large population database (gnomAD), indicating this variant is rare. At this time, the clinical significance of this variant is uncertain due to the absence of conclusive functional and genetic evidence.

NM_001384900.1(SEMA3D):c.986A>G (p.Tyr329Cys)

Gene: SEMA3D (semaphorin 3D; minus strand). Cytogenetic location: 7q21.11.
Variant type: single nucleotide variant.
Coding change: c.986A>G on transcript NM_001384900.1 (MANE Select); coding-DNA position 986, A replaced by G.
Protein change: p.Tyr329Cys; replaces tyrosine 329 with cysteine.
Molecular consequence: missense variant.
Genome position (GRCh38, 1-based): chr7:85,040,733, T>C on the plus strand (A>G on the coding strand, the complement: SEMA3D is on the minus strand). VCF-style: chr7-85040733-T-C. GRCh37 (hg19) VCF-style: chr7-84670049-T-C.
Other names: c.986A>G, p.Tyr329Cys (NM_001384901.1, NM_001384902.1, NM_001384903.1 and 1 more transcripts); short protein forms Y329C.
Identifiers: ClinVar variation 4989918 (VCV004989918.1).